The following is an entry in ClinVar:

ClinVar aggregate classification (germline): Uncertain significance. Review status: criteria provided, multiple submitters, no conflicts (2 of 4 stars). 2 submissions from 2 submitters: Uncertain significance (2). Last evaluated 2025-01-19.

Conditions:
Cardiovascular phenotype. Identifiers: MedGen CN230736.
Hereditary cancer-predisposing syndrome. Also called: Hereditary neoplastic syndrome; Neoplastic Syndromes, Hereditary; Hereditary Cancer Syndrome; Tumor predisposition. Identifiers: Orphanet 140162, MedGen C0027672, MeSH D009386, MONDO:0015356.
Neurofibromatosis, type 1 (NF1). Also called: VON RECKLINGHAUSEN DISEASE; Neurofibromatosis, type I; NEUROFIBROMATOSIS, TYPE I, SOMATIC; Peripheral type neurofibromatosis. Identifiers: Orphanet 636, MedGen C0027831, MONDO:0018975, OMIM 162200. Disease mechanism: loss of function.

Submissions (2):

Ambry Genetics
Classification: Uncertain significance for Cardiovascular phenotype; Hereditary cancer-predisposing syndrome. Last evaluated: 2025-01-19. Review status: criteria provided, single submitter. Criteria: Ambry Variant Classification Scheme 2023. Collection method: clinical testing. Allele origin: germline.
Comment: The p.D2614V variant (also known as c.7841A>T), located in coding exon 53 of the NF1 gene, results from an A to T substitution at nucleotide position 7841. The aspartic acid at codon 2614 is replaced by valine, an amino acid with highly dissimilar properties. This amino acid position is conserved. In addition, this alteration is predicted to be deleterious by in silico analysis. Based on the available evidence, the clinical significance of this variant remains unclear.

Labcorp Genetics (formerly Invitae), Labcorp
Classification: Uncertain significance for Neurofibromatosis, type 1. Last evaluated: 2023-09-04. Review status: criteria provided, single submitter. Criteria: Invitae Variant Classification Sherloc (09022015). Collection method: clinical testing. Allele origin: germline.
Comment: In summary, the available evidence is currently insufficient to determine the role of this variant in disease. Therefore, it has been classified as a Variant of Uncertain Significance. Advanced modeling of protein sequence and biophysical properties (such as structural, functional, and spatial information, amino acid conservation, physicochemical variation, residue mobility, and thermodynamic stability) has been performed at Invitae for this missense variant, however the output from this modeling did not meet the statistical confidence thresholds required to predict the impact of this variant on NF1 protein function. ClinVar contains an entry for this variant (Variation ID: 1390215). This variant has not been reported in the literature in individuals affected with NF1-related conditions. This variant is not present in population databases (gnomAD no frequency). This sequence change replaces aspartic acid, which is acidic and polar, with valine, which is neutral and non-polar, at codon 2614 of the NF1 protein (p.Asp2614Val).

NM_001042492.3(NF1):c.7904A>T (p.Asp2635Val)

Gene: NF1 (neurofibromin 1; plus strand). Cytogenetic location: 17q11.2.
Variant type: single nucleotide variant.
Coding change: c.7904A>T on transcript NM_001042492.3 (MANE Select); coding-DNA position 7904, A replaced by T.
Protein change: p.Asp2635Val; replaces aspartic acid 2635 with valine.
Molecular consequence: missense variant.
Genome position (GRCh38, 1-based): chr17:31,357,303, A>T. VCF-style: chr17-31357303-A-T. GRCh37 (hg19) VCF-style: chr17-29684321-A-T.
Other names: c.7841A>T, p.Asp2614Val (NM_000267.4); short protein forms D2614V, D2635V.
Identifiers: ClinVar variation 1390215 (VCV001390215.9), dbSNP rs2070297198, ClinGen allele CA399203428.